The following is an entry in ClinVar:

NM_000317.3(PTS):c.243G>A (p.Glu81=)

Gene: PTS (6-pyruvoyltetrahydropterin synthase; plus strand). Cytogenetic location: 11q23.1.
Variant type: single nucleotide variant.
Coding change: c.243G>A on transcript NM_000317.3 (MANE Select); coding-DNA position 243, G replaced by A.
Protein change: p.Glu81=; no amino-acid change (glutamic acid 81 retained).
Molecular consequence: synonymous variant.
Genome position (GRCh38, 1-based): chr11:112,230,682, G>A. VCF-style: chr11-112230682-G-A. GRCh37 (hg19) VCF-style: chr11-112101405-G-A.
Identifiers: ClinVar variation 1458069 (VCV001458069.7), dbSNP rs2135409211, ClinGen allele CA476797502.

ClinVar aggregate classification (germline): Pathogenic/Likely pathogenic. Review status: criteria provided, multiple submitters, no conflicts (2 of 4 stars). 2 submissions from 2 submitters: Pathogenic (1); Likely pathogenic (1). Last evaluated 2025-06-13.

Conditions:
6-Pyruvoyl-tetrahydrobiopterin synthase deficiency. Also called: Hyperphenylalanemia, BH4-deficient, A; Hyperphenylalaninemia due to 6-pyruvoyl-tetrahydropterin synthase deficiency; 6-Pyruvoyltetrahydropterin Synthase Deficiency; HYPERPHENYLALANINEMIA, TETRAHYDROBIOPTERIN-DEFICIENT, DUE TO PTS DEFICIENCY; BH4-deficient hyperphenylalaninemia A; PTS-Related Tetrahydrobiopterin Deficiency. Identifiers: Orphanet 13, Orphanet 238583, MedGen C0878676, MONDO:0009863, OMIM 261640.

Allele frequency attached by ClinVar (database versions not stated): gnomAD exomes below 0.00001.

Submissions (2):

Women's Health and Genetics/Laboratory Corporation of America, LabCorp
Classification: Likely pathogenic for 6-Pyruvoyl-tetrahydrobiopterin synthase deficiency. Last evaluated: 2025-06-13. Review status: criteria provided, single submitter. Criteria: LabCorp Variant Classification Summary - May 2015. Collection method: clinical testing. Allele origin: germline.
Comment: Variant summary: PTS c.243G>A (p.Glu81Glu) alters a conserved nucleotide located close to a canonical splice site and therefore could affect mRNA splicing, leading to a significantly altered protein sequence. Several computational tools predict a significant impact on normal splicing: Three predict the variant abolishes a 5' splicing donor site. One predict the variant weakens a 5' donor site. At least one publication reports experimental evidence that this variant affects mRNA splicing. The variant was absent in 251408 control chromosomes. c.243G>A has been observed in a homozygous individual affected with 6-Pyruvoyl-Tetrahydropterin Synthase Deficiency (Imamura_1999). These data indicate that the variant may be associated with disease. At least one publication reports experimental evidence evaluating an impact on protein function. The most pronounced variant effect results in skipping of exon 4 in an cDNA analysis and lack of protein activity in an in vitro cellular assay (Imamura_1999). The following publication have been ascertained in the context of this evaluation (PMID: 10319579). ClinVar contains an entry for this variant (Variation ID: 1458069). Based on the evidence outlined above, the variant was classified as likely pathogenic.

Labcorp Genetics (formerly Invitae), Labcorp
Classification: Pathogenic for 6-Pyruvoyl-tetrahydrobiopterin synthase deficiency. Last evaluated: 2021-12-02. Review status: criteria provided, single submitter. Criteria: Invitae Variant Classification Sherloc (09022015). Collection method: clinical testing. Allele origin: germline.
Comment: For these reasons, this variant has been classified as Pathogenic. Variants that disrupt the consensus splice site are a relatively common cause of aberrant splicing (PMID: 17576681, 9536098). Studies have shown that this variant results in skipping of exon 4, but is expected to preserve the integrity of the reading-frame (PMID: 10319579). This variant has been observed in individual(s) with 6-pyruvoyl-tetrahydropterin synthase (PTPS) deficiency (PMID: 10319579). This variant is not present in population databases (gnomAD no frequency). This sequence change affects codon 81 of the PTS mRNA. It is a 'silent' change, meaning that it does not change the encoded amino acid sequence of the PTS protein. RNA analysis indicates that this variant induces altered splicing and likely results in a shortened protein product.

Literature cited by the submitters: PubMed 10319579 (cited by Women's Health and Genetics/Laboratory Corporation of America, LabCorp and Labcorp Genetics (formerly Invitae), Labcorp); PubMed 17576681 (cited by Labcorp Genetics (formerly Invitae), Labcorp); PubMed 9536098 (cited by Labcorp Genetics (formerly Invitae), Labcorp).